The following is an entry in ClinVar:

ClinVar aggregate classification (germline): Likely pathogenic. Review status: criteria provided, multiple submitters, no conflicts (2 of 4 stars). 2 submissions from 2 submitters: Likely pathogenic (2). Last evaluated 2023-09-12.

Conditions:
Mitochondrial DNA depletion syndrome 13. Also called: FBXL4-Related Encephalomyopathic Mitochondrial DNA Depletion Syndrome; Mitochondrial DNA depletion syndrome 13 (encephalomyopathic type). Identifiers: Orphanet 369897, MedGen C3809592, MONDO:0014198, OMIM 615471.

Allele frequency attached by ClinVar (database versions not stated): TOPMed 0.00001.
gnomAD v4.1: 2 of 1,614,026 alleles (0.00012%); highest among the groups gnomAD compares: Non-Finnish European, 0.00017%; no homozygotes.

Submissions (2):

GeneDx
Classification: Likely pathogenic. Last evaluated: 2023-09-12. Review status: criteria provided, single submitter. Criteria: GeneDx Variant Classification Process June 2021. Collection method: clinical testing. Allele origin: germline. Affected: yes.
Comment: Not observed at significant frequency in large population cohorts (gnomAD); In silico analysis supports that this missense variant has a deleterious effect on protein structure/function; This variant is associated with the following publications: (PMID: 36687274, 23993194, 30804983, 31214239, 25868664)

Wong Mito Lab, Molecular and Human Genetics, Baylor College of Medicine
Classification: Likely pathogenic for Mitochondrial DNA depletion syndrome 13. Last evaluated: 2017-08-10. Review status: criteria provided, single submitter. Criteria: ACMG Guidelines, 2015. Collection method: clinical testing. Allele origin: germline. Affected: yes.
Comment: The NM_012160.4:c.614T>C (NP_036292.2:p.Ile205Thr) [GRCH38: NC_000006.12:g.98917618A>G] variant in FBXL4 gene is interpretated to be a Likely Pathogenic based on ACMG guidelines (PMID: 25741868). This variant has been reported in PMID:23993194 . This variant meets one or more of the following evidence codes reported in the ACMG-guideline. PM2:This variant is absent in key population databases. PM3:Detected in trans with a pathogenic variant for Mitochondrial DNA depletion syndrome 13 which is a recessive disorder. PP2:This is a missense variant in FBXL4 with a low rate of benign and high rate of pathogenic missense variations. PP4:Patientâ€™s phenotype or family history is highly specific for FBXL4. PP5:Reputable source(s) suggest that the variant is pathogenic. Based on this evidence code ClinGen Pathogenicity Calculator (PMID:28081714) suggested that the variant is Likely Pathogenic.

Literature cited by the submitters: PubMed 23993194 (cited by Wong Mito Lab, Molecular and Human Genetics, Baylor College of Medicine).

NM_001278716.2(FBXL4):c.614T>C (p.Ile205Thr)

Gene: FBXL4 (F-box and leucine rich repeat protein 4; minus strand). Cytogenetic location: 6q16.2.
Variant type: single nucleotide variant.
Coding change: c.614T>C on transcript NM_001278716.2 (MANE Select); coding-DNA position 614, T replaced by C.
Protein change: p.Ile205Thr; replaces isoleucine 205 with threonine.
Molecular consequence: missense variant.
Genome position (GRCh38, 1-based): chr6:98,917,618, A>G on the plus strand (T>C on the coding strand, the complement: FBXL4 is on the minus strand). VCF-style: chr6-98917618-A-G. GRCh37 (hg19) VCF-style: chr6-99365494-A-G.
Other names: c.614T>C, p.Ile205Thr (NM_012160.5); c.614T>C (NM_012160.3); short protein forms I205T.
Identifiers: ClinVar variation 437471 (VCV000437471.2), dbSNP rs1350566881, ClinGen allele CA16021014.